The following is an entry in ClinVar:

NM_000489.6(ATRX):c.1246G>A (p.Glu416Lys)

Gene: ATRX (ATRX chromatin remodeler; minus strand). Cytogenetic location: Xq21.1.
Variant type: single nucleotide variant.
Coding change: c.1246G>A on transcript NM_000489.6 (MANE Select); coding-DNA position 1246, G replaced by A.
Protein change: p.Glu416Lys; replaces glutamic acid 416 with lysine.
Molecular consequence: missense variant.
Genome position (GRCh38, 1-based): chrX:77,684,010, C>T on the plus strand (G>A on the coding strand, the complement: ATRX is on the minus strand). VCF-style: chrX-77684010-C-T. GRCh37 (hg19) VCF-style: chrX-76939502-C-T.
Other names: c.1132G>A, p.Glu378Lys (NM_138270.5); short protein forms E378K, E416K.
Identifiers: ClinVar variation 1139292 (VCV001139292.15), dbSNP rs782253905, ClinGen allele CA331569057.
Genomic context (GRCh38, chrX:77,684,010, plus strand): 5'-CTATGACTTTATGCTCTTTGGTATTTTTCTCTTTGTTTACAGCATCCATCGCTCGAAACT[C>T]GGAATTTAAGTCTTCTTCCAATGCAAGATGAGCCTTCTTAATATCAGCCAACACAGACTT-3'
Protein context (NP_000480.3, residues 406-426): HLALEEDLNS[Glu416Lys]FRAMDAVNKE

ClinVar aggregate classification (germline): Conflicting classifications of pathogenicity. Review status: criteria provided, conflicting classifications (1 of 4 stars). 3 submissions from 3 submitters: Uncertain significance (1); Likely benign (2). Last evaluated 2024-10-30.

Conditions:
Inborn genetic diseases. Identifiers: MedGen C0950123, MeSH D030342.
Alpha thalassemia-X-linked intellectual disability syndrome (ATRX). Also called: ALPHA-THALASSEMIA/MENTAL RETARDATION SYNDROME, X-LINKED; ATR, NONDELETION TYPE; ATR-X syndrome; Alpha thalassemia mental retardation syndrome, nondeletion type, X-linked; XLMR hypotonic face syndrome; X-linked alpha-thalassemia-mental retardation syndrome. Identifiers: Orphanet 847, MedGen C1845055, MONDO:0010519, OMIM 301040.

Allele frequency attached by ClinVar (database versions not stated): gnomAD exomes 0.00001; TOPMed 0.00002.
gnomAD v4.1: 8 of 1,207,694 alleles (0.00066%); highest among the groups gnomAD compares: South Asian, 0.0018%; no homozygotes.

Submissions (3):

Labcorp Genetics (formerly Invitae), Labcorp
Classification: Likely benign for Alpha thalassemia-X-linked intellectual disability syndrome. Last evaluated: 2024-10-30. Review status: criteria provided, single submitter. Criteria: Invitae Variant Classification Sherloc (09022015). Collection method: clinical testing. Allele origin: germline.

Ambry Genetics
Classification: Uncertain significance for Inborn genetic diseases. Last evaluated: 2018-03-10. Review status: criteria provided, single submitter. Criteria: Ambry Variant Classification Scheme 2023. Collection method: clinical testing. Allele origin: germline.
Comment: The p.E416K variant (also known as c.1246G>A), located in coding exon 9 of the ATRX gene, results from a G to A substitution at nucleotide position 1246. The glutamic acid at codon 416 is replaced by lysine, an amino acid with similar properties. This amino acid position is highly conserved in available vertebrate species. In addition, this alteration is predicted to be deleterious by in silico analysis. Since supporting evidence is limited at this time, the clinical significance of this alteration remains unclear.

Breakthrough Genomics
Classification: Likely benign. Review status: criteria provided, single submitter. Criteria: ACMG Guidelines, 2015. Collection method: not provided. Allele origin: germline. Inheritance: X-linked inheritance. Affected: yes.